The following is an entry in ClinVar:

ClinVar aggregate classification (germline): Uncertain significance (1 of 4 stars; one submission).

Conditions:
Beck-Fahrner syndrome (BEFAHRS). Identifiers: Orphanet 684216, MedGen C5394097, MONDO:0032922, OMIM 618798.

Allele frequency attached by ClinVar (database versions not stated): gnomAD exomes below 0.00001; gnomAD 0.00002.
gnomAD v4.1: 8 of 1,232,084 alleles (0.00065%); highest among the groups gnomAD compares: South Asian, 0.029%; no homozygotes.

Submission:

Neuberg Centre For Genomic Medicine, NCGM
Classification: Uncertain significance for Beck-Fahrner syndrome. Review status: criteria provided, single submitter. Criteria: ACMG Guidelines, 2015. Collection method: clinical testing. Allele origin: germline. Affected: yes.
Comment: The missense variant p.R23C in TET3 (NM_001287491.2) has not been reported previously as a pathogenic variant nor as a benign variant, to our knowledge. The p.R23C variant is novel (not in any individuals) in gnomAD Exomes and is novel (not in any individuals) in 1000 Genomes. There is a large physicochemical difference between arginine and cysteine, which is likely to impact secondary protein structure as these residues differ in polarity, charge, size and/or other properties. The amino acid change p.Arg23Cys in TET3 is predicted as conserved by GERP++ and PhyloP across 100 vertebrates. For these reasons, this variant has been classified as Uncertain Significance.

NM_001287491.2(TET3):c.67C>T (p.Arg23Cys)

Gene: TET3 (tet methylcytosine dioxygenase 3; plus strand). Cytogenetic location: 2p13.1.
Variant type: single nucleotide variant.
Coding change: c.67C>T on transcript NM_001287491.2 (MANE Select); coding-DNA position 67, C replaced by T.
Protein change: p.Arg23Cys; replaces arginine 23 with cysteine.
Molecular consequence: missense variant.
Genome position (GRCh38, 1-based): chr2:73,986,470, C>T. VCF-style: chr2-73986470-C-T. GRCh37 (hg19) VCF-style: chr2-74213597-C-T.
Other names: short protein forms R23C.
Identifiers: ClinVar variation 1878622 (VCV001878622.1), dbSNP rs1684031108, ClinGen allele CA347306973.